The following is an entry in ClinVar:

NM_182916.3(TRNT1):c.435G>T (p.Gln145His)

Gene: TRNT1 (tRNA nucleotidyl transferase 1; plus strand). Cytogenetic location: 3p26.2.
Variant type: single nucleotide variant.
Coding change: c.435G>T on transcript NM_182916.3 (MANE Select); coding-DNA position 435, G replaced by T.
Protein change: p.Gln145His; replaces glutamine 145 with histidine.
Molecular consequence: missense variant. On other transcripts: non-coding transcript variant (6).
Genome position (GRCh38, 1-based): chr3:3,140,602, G>T. VCF-style: chr3-3140602-G-T. GRCh37 (hg19) VCF-style: chr3-3182286-G-T.
Other names: c.435G>T, p.Gln145His (NM_001302946.2, NM_001367321.1, NM_001367322.1 and 1 more transcripts); c.435G>T (NM_182916.2); short protein forms Q145H.
Identifiers: ClinVar variation 2181541 (VCV002181541.4), dbSNP rs753701052, ClinGen allele CA351444148.

ClinVar aggregate classification (germline): Uncertain significance. Review status: criteria provided, multiple submitters, no conflicts (2 of 4 stars). 2 submissions from 2 submitters: Uncertain significance (2). Last evaluated 2025-05-25.

Conditions:
Congenital sideroblastic anemia-B-cell immunodeficiency-periodic fever-developmental delay syndrome. Also called: Sideroblastic anemia with B-cell immunodeficiency, periodic fevers, and developmental delay. Identifiers: Orphanet 369861, MedGen C4015172, MONDO:0014487, OMIM 616084.
Inborn genetic diseases. Identifiers: MedGen C0950123, MeSH D030342.

gnomAD v4.1: 5 of 1,614,034 alleles (0.00031%); highest among the groups gnomAD compares: Admixed American, 0.0083%; no homozygotes.

Submissions (2):

Ambry Genetics
Classification: Uncertain significance for Inborn genetic diseases. Last evaluated: 2025-05-25. Review status: criteria provided, single submitter. Criteria: Ambry Variant Classification Scheme 2023. Collection method: clinical testing. Allele origin: germline.

Labcorp Genetics (formerly Invitae), Labcorp
Classification: Uncertain significance for Congenital sideroblastic anemia-B-cell immunodeficiency-periodic fever-developmental delay syndrome. Last evaluated: 2022-04-11. Review status: criteria provided, single submitter. Criteria: Invitae Variant Classification Sherloc (09022015). Collection method: clinical testing. Allele origin: germline.
Comment: In summary, the available evidence is currently insufficient to determine the role of this variant in disease. Therefore, it has been classified as a Variant of Uncertain Significance. Algorithms developed to predict the effect of missense changes on protein structure and function are either unavailable or do not agree on the potential impact of this missense change (SIFT: "Deleterious"; PolyPhen-2: "Benign"; Align-GVGD: "Class C0"). This variant has not been reported in the literature in individuals affected with TRNT1-related conditions. This variant is not present in population databases (gnomAD no frequency). This sequence change replaces glutamine, which is neutral and polar, with histidine, which is basic and polar, at codon 145 of the TRNT1 protein (p.Gln145His).